The following is an entry in ClinVar:

ClinVar aggregate classification (germline): Likely benign (1 of 4 stars; one submission).

Allele frequency attached by ClinVar (database versions not stated): ExAC 0.00003; gnomAD 0.00006; 1000 Genomes Project 30x 0.00016; 1000 Genomes Project 0.00020.
gnomAD v4.1: 44 of 1,613,580 alleles (0.0027%); highest among the groups gnomAD compares: African/African-American, 0.013%; no homozygotes.

Submission:

CeGaT Center for Human Genetics Tuebingen
Classification: Likely benign. Last evaluated: 2022-09-01. Review status: criteria provided, single submitter. Criteria: CeGaT Center For Human Genetics Tuebingen Variant Classification Criteria Version 2. Collection method: clinical testing. Allele origin: germline. Affected: yes. Observed: 1 variant allele.
Comment: BAIAP2L1: BP4, BP7

NM_018842.5(BAIAP2L1):c.1347C>T (p.Ala449=)

Genes: BAIAP2L1 (BAR/IMD domain containing adaptor protein 2 like 1; minus strand), BRI3 (brain protein I3; plus strand). Cytogenetic location: 7q21.3.
Variant type: single nucleotide variant.
Coding change: c.1347C>T on transcript NM_018842.5 (MANE Select); coding-DNA position 1347, C replaced by T.
Protein change: p.Ala449=; no amino-acid change (alanine 449 retained).
Molecular consequence: synonymous variant.
Genome position (GRCh38, 1-based): chr7:98,304,271, G>A on the plus strand (C>T on the coding strand, the complement: BAIAP2L1 is on the minus strand). VCF-style: chr7-98304271-G-A. GRCh37 (hg19) VCF-style: chr7-97933583-G-A.
Identifiers: ClinVar variation 2657698 (VCV002657698.24), dbSNP rs539226207, ClinGen allele CA4357795.